The following is an entry in ClinVar:

NM_001048174.2(MUTYH):c.284T>G (p.Leu95Arg)

Gene: MUTYH (mutY DNA glycosylase; minus strand). Cytogenetic location: 1p34.1.
Variant type: single nucleotide variant.
Coding change: c.284T>G on transcript NM_001048174.2 (MANE Select); coding-DNA position 284, T replaced by G.
Protein change: p.Leu95Arg; replaces leucine 95 with arginine.
Molecular consequence: missense variant. On other transcripts: non-coding transcript variant (7).
Genome position (GRCh38, 1-based): chr1:45,333,305, A>C on the plus strand (T>G on the coding strand, the complement: MUTYH is on the minus strand). VCF-style: chr1-45333305-A-C. GRCh37 (hg19) VCF-style: chr1-45798977-A-C.
Other names: c.284T>G, p.Leu95Arg (NM_001048171.2, NM_001048173.2, NM_001293195.2 and 6 more transcripts); c.287T>G, p.Leu96Arg (NM_001048172.2, NM_001407071.1, NM_001407078.1 and 2 more transcripts); c.368T>G, p.Leu123Arg (NM_001128425.2); c.329T>G, p.Leu110Arg (NM_001293190.2); c.317T>G, p.Leu106Arg (NM_001293191.2, NM_001407077.1); c.8T>G, p.Leu3Arg (NM_001293192.2, NM_001293196.2, NM_001407091.1); c.13T>G, p.Trp5Gly (NM_001350650.2, NM_001350651.2, NM_001407082.1); c.359T>G, p.Leu120Arg (NM_001407069.1, NM_012222.3); and 3 more; short protein forms L120R, L123R, L3R, W5G, L95R, L106R, L109R, L96R.
Identifiers: ClinVar variation 4113637 (VCV004113637.1).
Genomic context (GRCh38, chr1:45,333,305, plus strand): 5'-CTCGAGGCAAAGTGGCCCTGCTCTCAGGAGATGTACTGACCAGCATATGCCCGCCTGTCC[A>C]GGTCCATCTCATCTTCTGCCTGTCAATGCAACCCCAGATGAGGAGTTAGGGTGGAGGGGG-3'
Protein context (NP_001041639.1, residues 85-105): WRRRAEDEMD[Leu95Arg]DRRAYAVWVS

ClinVar aggregate classification (germline): Uncertain significance (1 of 4 stars; one submission).

Conditions:
Hereditary cancer-predisposing syndrome. Also called: Hereditary neoplastic syndrome; Neoplastic Syndromes, Hereditary; Tumor predisposition; Hereditary Cancer Syndrome. Identifiers: Orphanet 140162, MedGen C0027672, MeSH D009386, MONDO:0015356.

Submission:

Ambry Genetics
Classification: Uncertain significance for Hereditary cancer-predisposing syndrome. Last evaluated: 2025-08-27. Review status: criteria provided, single submitter. Criteria: Ambry Variant Classification Scheme 2023. Collection method: clinical testing. Allele origin: germline.
Comment: The p.L123R variant (also known as c.368T>G), located in coding exon 4 of the MUTYH gene, results from a T to G substitution at nucleotide position 368. The leucine at codon 123 is replaced by arginine, an amino acid with dissimilar properties. This amino acid position is conserved. In addition, this alteration is predicted to be tolerated by in silico analysis. Based on the available evidence, the clinical significance of this variant remains unclear.